The following is an entry in ClinVar:

NM_001040108.2(MLH3):c.2373G>A (p.Leu791=)

Gene: MLH3 (mutL homolog 3; minus strand). Cytogenetic location: 14q24.3.
Variant type: single nucleotide variant.
Coding change: c.2373G>A on transcript NM_001040108.2 (MANE Select); coding-DNA position 2373, G replaced by A.
Protein change: p.Leu791=; no amino-acid change (leucine 791 retained).
Molecular consequence: synonymous variant.
Genome position (GRCh38, 1-based): chr14:75,047,283, C>T on the plus strand (G>A on the coding strand, the complement: MLH3 is on the minus strand). VCF-style: chr14-75047283-C-T. GRCh37 (hg19) VCF-style: chr14-75513986-C-T.
Other names: p.Leu791=; c.2373G>A, p.Leu791= (NM_014381.3).
Identifiers: ClinVar variation 314384 (VCV000314384.18), dbSNP rs764724825, ClinGen allele CA7275713.

ClinVar aggregate classification (germline): Conflicting classifications of pathogenicity. Review status: criteria provided, conflicting classifications (1 of 4 stars). 5 submissions from 5 submitters: Uncertain significance (1); Benign (2); Likely benign (2). Last evaluated 2026-05-04.

Conditions:
Colorectal cancer, hereditary nonpolyposis, type 7. Identifiers: Orphanet 144, MedGen C1858380, MONDO:0013725, OMIM 614385.

Allele frequency attached by ClinVar (database versions not stated): gnomAD 0.00003 and 0.00004; TOPMed 0.00012; gnomAD exomes 0.00022; ExAC 0.00023.
gnomAD v4.1: 70 of 1,613,980 alleles (0.0043%); highest among the groups gnomAD compares: Admixed American, 0.11%; no homozygotes.

Submissions (5):

Myriad Genetics, Inc.
Classification: Benign for Colorectal cancer, hereditary nonpolyposis, type 7. Last evaluated: 2026-05-04. Review status: criteria provided, single submitter. Criteria: Myriad Autosomal Dominant, Autosomal Recessive and X-Linked Classification Criteria (2023). Collection method: clinical testing. Allele origin: unknown.
Comment: This variant is considered benign. This variant is a silent/synonymous amino acid change and it is not expected to impact splicing.

Labcorp Genetics (formerly Invitae), Labcorp
Classification: Benign for Colorectal cancer, hereditary nonpolyposis, type 7. Last evaluated: 2026-01-11. Review status: criteria provided, single submitter. Criteria: Invitae Variant Classification Sherloc (09022015). Collection method: clinical testing. Allele origin: germline.

Mayo Clinic Laboratories, Mayo Clinic
Classification: Likely benign. Last evaluated: 2025-10-22. Review status: criteria provided, single submitter. Criteria: ACMG Guidelines, 2015. Collection method: clinical testing. Allele origin: germline. Observed: 1 variant allele.
Comment: BS1, BP4, BP7

Ambry Genetics
Classification: Likely benign. Last evaluated: 2020-09-16. Review status: criteria provided, single submitter. Criteria: Ambry Variant Classification Scheme 2023. Collection method: clinical testing. Allele origin: germline.

Illumina Laboratory Services, Illumina
Classification: Uncertain significance for Colorectal cancer, hereditary nonpolyposis, type 7. Last evaluated: 2018-01-12. Review status: criteria provided, single submitter. Criteria: ICSL Variant Classification Criteria 13 December 2019. Collection method: clinical testing. Allele origin: germline.